The following is an entry in ClinVar:

NM_001005373.4(LRSAM1):c.143C>G (p.Ala48Gly)

Gene: LRSAM1 (leucine rich repeat and sterile alpha motif containing 1; plus strand). Cytogenetic location: 9q33.3.
Variant type: single nucleotide variant.
Coding change: c.143C>G on transcript NM_001005373.4 (MANE Select); coding-DNA position 143, C replaced by G.
Protein change: p.Ala48Gly; replaces alanine 48 with glycine.
Molecular consequence: missense variant. On other transcripts: 5 prime UTR variant (1), non-coding transcript variant (2).
Genome position (GRCh38, 1-based): chr9:127,455,589, C>G. VCF-style: chr9-127455589-C-G. GRCh37 (hg19) VCF-style: chr9-130217868-C-G.
Other names: c.143C>G, p.Ala48Gly (NM_001005374.4, NM_001190723.3, NM_001384142.1 and 2 more transcripts); c.-642C>G (NM_001384144.1); short protein forms A48G.
Identifiers: ClinVar variation 3685438 (VCV003685438.2).

ClinVar aggregate classification (germline): Uncertain significance (1 of 4 stars; one submission).

Conditions:
Charcot-Marie-Tooth disease axonal type 2P. Also called: CHARCOT-MARIE-TOOTH DISEASE, AXONAL, TYPE 2G; CMT 2G; CHARCOT-MARIE-TOOTH NEUROPATHY, TYPE 2P; Charcot-Marie-Tooth Neuropathy Type 2G. Identifiers: Orphanet 300319, Orphanet 99941, MedGen C3280797, MONDO:0013753, OMIM 614436.

gnomAD v4.1: 1 of 1,613,946 alleles (0.000062%); highest among the groups gnomAD compares: South Asian, 0.0011%; no homozygotes.

Submission:

Labcorp Genetics (formerly Invitae), Labcorp
Classification: Uncertain significance for Charcot-Marie-Tooth disease axonal type 2P. Last evaluated: 2024-02-10. Review status: criteria provided, single submitter. Criteria: Invitae Variant Classification Sherloc (09022015). Collection method: clinical testing. Allele origin: germline.
Comment: This sequence change replaces alanine, which is neutral and non-polar, with glycine, which is neutral and non-polar, at codon 48 of the LRSAM1 protein (p.Ala48Gly). This variant is present in population databases (rs756260380, gnomAD 0.0009%). This variant has not been reported in the literature in individuals affected with LRSAM1-related conditions. Advanced modeling of protein sequence and biophysical properties (such as structural, functional, and spatial information, amino acid conservation, physicochemical variation, residue mobility, and thermodynamic stability) performed at Invitae indicates that this missense variant is expected to disrupt LRSAM1 protein function with a positive predictive value of 80%. In summary, the available evidence is currently insufficient to determine the role of this variant in disease. Therefore, it has been classified as a Variant of Uncertain Significance.